The following is an entry in ClinVar:

NM_001042603.3(KDM5A):c.1209A>T (p.Glu403Asp)

Gene: KDM5A (lysine demethylase 5A; minus strand). Cytogenetic location: 12p13.33.
Variant type: single nucleotide variant.
Coding change: c.1209A>T on transcript NM_001042603.3 (MANE Select); coding-DNA position 1209, A replaced by T.
Protein change: p.Glu403Asp; replaces glutamic acid 403 with aspartic acid.
Molecular consequence: missense variant.
Genome position (GRCh38, 1-based): chr12:350,720, T>A on the plus strand (A>T on the coding strand, the complement: KDM5A is on the minus strand). VCF-style: chr12-350720-T-A. GRCh37 (hg19) VCF-style: chr12-459886-T-A.
Other names: short protein forms E403D.
Identifiers: ClinVar variation 4975726 (VCV004975726.1).
Genomic context (GRCh38, chr12:350,720, plus strand): 5'-CGGAAATCCACTTCCAAAGTCTTTTGAGGAGATATCTGCTCCATATTCCACAATAACATC[T>A]TCTTCAATGCTGCTTACCAGCCGCCAAAATTCCTTTTCTACTAGTTCTGTGGGAACCATC-3'
Protein context (NP_001036068.1, residues 393-413): EFWRLVSSIE[Glu403Asp]DVIVEYGADI

ClinVar aggregate classification (germline): Uncertain significance (1 of 4 stars; one submission).

gnomAD v4.1: 1 of 1,614,092 alleles (0.000062%); highest among the groups gnomAD compares: Non-Finnish European, 0.000085%; no homozygotes.

Submission:

GeneDx
Classification: Uncertain significance. Last evaluated: 2026-01-29. Review status: criteria provided, single submitter. Criteria: GeneDx Variant Classification Process June 2021. Collection method: clinical testing. Allele origin: germline.
Comment: Not observed at significant frequency in large population cohorts (gnomAD); In silico analysis supports that this missense variant has a deleterious effect on protein structure/function; Has not been previously published as pathogenic or benign to our knowledge